The following is an entry in ClinVar:

NM_014946.4(SPAST):c.*2318G>A

Gene: SPAST (spastin; plus strand). Cytogenetic location: 2p22.3.
Variant type: single nucleotide variant.
Coding change: c.*2318G>A on transcript NM_014946.4 (MANE Select); 2318 bases downstream of the stop codon, G replaced by A.
Molecular consequence: 3 prime UTR variant.
Genome position (GRCh38, 1-based): chr2:32,156,814, G>A. VCF-style: chr2-32156814-G-A. GRCh37 (hg19) VCF-style: chr2-32381883-G-A.
Other names: c.*2318G>A (NM_001363823.2, NM_001363875.2, NM_199436.2); c.*2442G>A (NM_001377959.1).
Identifiers: ClinVar variation 335879 (VCV000335879.33), dbSNP rs141017850, ClinGen allele CA10613262.

ClinVar aggregate classification (germline): Benign. Review status: criteria provided, multiple submitters, no conflicts (2 of 4 stars). 3 submissions from 3 submitters: Benign (3). Last evaluated 2023-07-01.

Conditions:
Hereditary spastic paraplegia 4. Also called: Spastic Paraplegia 4; Spastic paraplegia 4, autosomal dominant; Familial spastic paraplegia autosomal dominant 2. Identifiers: Orphanet 100985, MedGen C1866855, MONDO:0008438, OMIM 182601.

Allele frequency attached by ClinVar (database versions not stated): 1000 Genomes Project 30x 0.00265; 1000 Genomes Project 0.00300; TOPMed 0.00657; gnomAD 0.00749 and 0.00800.

Submissions (3):

CeGaT Center for Human Genetics Tuebingen
Classification: Benign. Last evaluated: 2023-07-01. Review status: criteria provided, single submitter. Criteria: CeGaT Center For Human Genetics Tuebingen Variant Classification Criteria Version 2. Collection method: clinical testing. Allele origin: germline. Affected: yes. Observed: 11 variant alleles.
Comment: SPAST: BS1, BS2

Illumina Laboratory Services, Illumina
Classification: Benign for Hereditary spastic paraplegia 4. Last evaluated: 2018-01-12. Review status: criteria provided, single submitter. Criteria: ICSL Variant Classification Criteria 13 December 2019. Collection method: clinical testing. Allele origin: germline.
Comment: This variant was observed in the ICSL laboratory as part of a predisposition screen in an ostensibly healthy population. It had not been previously curated by ICSL or reported in the Human Gene Mutation Database (HGMD: prior to June 1st, 2018), and was therefore a candidate for classification through an automated scoring system. Utilizing variant allele frequency, disease prevalence and penetrance estimates, and inheritance mode, an automated score was calculated to assess if this variant is too frequent to cause the disease. Based on the score and internal cut-off values, a variant classified as benign is not then subjected to further curation. The score for this variant resulted in a classification of benign for this disease.

Breakthrough Genomics
Classification: Benign. Review status: criteria provided, single submitter. Criteria: ACMG Guidelines, 2015. Collection method: not provided. Allele origin: germline. Inheritance: Autosomal dominant inheritance. Affected: yes.